The following is an entry in ClinVar:

NM_001004334.4(GPR179):c.6637A>C (p.Ser2213Arg)

Gene: GPR179 (G protein-coupled receptor 179; minus strand). Cytogenetic location: 17q12.
Variant type: single nucleotide variant.
Coding change: c.6637A>C on transcript NM_001004334.4 (MANE Select); coding-DNA position 6637, A replaced by C.
Protein change: p.Ser2213Arg; replaces serine 2213 with arginine.
Molecular consequence: missense variant.
Genome position (GRCh38, 1-based): chr17:38,326,932, T>G on the plus strand (A>C on the coding strand, the complement: GPR179 is on the minus strand). VCF-style: chr17-38326932-T-G. GRCh37 (hg19) VCF-style: chr17-36482815-T-G.
Other names: short protein forms S2213R.
Identifiers: ClinVar variation 1525143 (VCV001525143.5), dbSNP rs535678195, ClinGen allele CA290102873.

ClinVar aggregate classification (germline): Uncertain significance (1 of 4 stars; one submission).

Allele frequency attached by ClinVar (database versions not stated): gnomAD 0.00003; gnomAD exomes 0.00004 and 0.00008; ExAC 0.00012; 1000 Genomes Project 30x 0.00016; 1000 Genomes Project 0.00020.
gnomAD v4.1: 67 of 1,614,192 alleles (0.0042%); highest among the groups gnomAD compares: South Asian, 0.072%; 1 homozygote.

Submission:

Labcorp Genetics (formerly Invitae), Labcorp
Classification: Uncertain significance. Last evaluated: 2024-12-02. Review status: criteria provided, single submitter. Criteria: Invitae Variant Classification Sherloc (09022015). Collection method: clinical testing. Allele origin: germline.
Comment: This sequence change replaces serine, which is neutral and polar, with arginine, which is basic and polar, at codon 2213 of the GPR179 protein (p.Ser2213Arg). This variant is present in population databases (rs535678195, gnomAD 0.06%). This variant has not been reported in the literature in individuals affected with GPR179-related conditions. ClinVar contains an entry for this variant (Variation ID: 1525143). An algorithm developed to predict the effect of missense changes on protein structure and function outputs the following: PolyPhen-2: "Benign". The arginine amino acid residue is found in multiple mammalian species, which suggests that this missense change does not adversely affect protein function. In summary, the available evidence is currently insufficient to determine the role of this variant in disease. Therefore, it has been classified as a Variant of Uncertain Significance.